The following is an entry in ClinVar:

ClinVar aggregate classification (germline): Uncertain significance. Review status: criteria provided, multiple submitters, no conflicts (2 of 4 stars). 3 submissions from 3 submitters: Uncertain significance (3). Last evaluated 2024-12-18.

Conditions:
Inborn genetic diseases. Identifiers: MedGen C0950123, MeSH D030342.
Charcot-Marie-Tooth disease. Also called: Charcot-Marie-Tooth Hereditary Neuropathy; Charcot-Marie-Tooth Neuropathy. Identifiers: Orphanet 166, MedGen C0007959, MONDO:0015626.
Charcot-Marie-Tooth disease axonal type 2C (HMSN2C). Also called: Charcot-Marie-Tooth Disease Type 2, TRPV4-Related (CMT2C); CHARCOT-MARIE-TOOTH DISEASE, AXONAL, AUTOSOMAL DOMINANT, TYPE 2C; Charcot-Marie-Tooth Neuropathy Type 2C. Identifiers: Orphanet 99937, MedGen C1853710, MONDO:0011633, OMIM 606071.

Allele frequency attached by ClinVar (database versions not stated): gnomAD 0.00001; TOPMed 0.00003; ExAC 0.00004; gnomAD exomes 0.00004.

Submissions (3):

Labcorp Genetics (formerly Invitae), Labcorp
Classification: Uncertain significance for Charcot-Marie-Tooth disease axonal type 2C. Last evaluated: 2024-12-18. Review status: criteria provided, single submitter. Criteria: Invitae Variant Classification Sherloc (09022015). Collection method: clinical testing. Allele origin: germline.
Comment: This sequence change replaces proline, which is neutral and non-polar, with leucine, which is neutral and non-polar, at codon 132 of the TRPV4 protein (p.Pro132Leu). This variant is present in population databases (rs779371027, gnomAD 0.01%). This variant has not been reported in the literature in individuals affected with TRPV4-related conditions. ClinVar contains an entry for this variant (Variation ID: 520859). Invitae Evidence Modeling of protein sequence and biophysical properties (such as structural, functional, and spatial information, amino acid conservation, physicochemical variation, residue mobility, and thermodynamic stability) indicates that this missense variant is not expected to disrupt TRPV4 protein function with a negative predictive value of 95%. In summary, the available evidence is currently insufficient to determine the role of this variant in disease. Therefore, it has been classified as a Variant of Uncertain Significance.

Ambry Genetics
Classification: Uncertain significance for Hereditary disease. Last evaluated: 2015-10-23. Review status: criteria provided, single submitter. Criteria: ambry_reporting_categories_2017. Collection method: clinical testing. Allele origin: germline. Affected: yes. Observed: 1 heterozygote. Segregation with disease observed.
Comment: Lines of evidence used in support of classification: UNCERTAIN: Alteration(s) of Uncertain Clinical Significance Detected

Molecular Genetics Laboratory, London Health Sciences Centre
Classification: Uncertain significance for Charcot-Marie-Tooth disease. Review status: criteria provided, single submitter. Criteria: ACMG Guidelines, 2015. Collection method: clinical testing. Allele origin: germline. Affected: yes.

Literature cited by the submitters: PubMed 20037588 (cited by Ambry Genetics); PubMed 4056805 (cited by Ambry Genetics); PubMed 1520078 (cited by Ambry Genetics); PubMed 18587396 (cited by Ambry Genetics); PubMed 24677493 (cited by Ambry Genetics); PubMed 19232556 (cited by Ambry Genetics); PubMed 14755468 (cited by Ambry Genetics); PubMed 20503319 (cited by Ambry Genetics); PubMed 11891693 (cited by Ambry Genetics); PubMed 20577006 (cited by Ambry Genetics); PubMed 20425821 (cited by Ambry Genetics); PubMed 21964574 (cited by Ambry Genetics); PubMed 956253 (cited by Ambry Genetics); PubMed 22791502 (cited by Ambry Genetics); PubMed 20037586 (cited by Ambry Genetics); PubMed 21288981 (cited by Ambry Genetics); PubMed 20037587 (cited by Ambry Genetics); PubMed 21115951 (cited by Ambry Genetics); PubMed 22851605 (cited by Ambry Genetics); PubMed 20460441 (cited by Ambry Genetics); PubMed 25900305 (cited by Ambry Genetics); PubMed 26249260 (cited by Ambry Genetics); PubMed 27330106 (cited by Ambry Genetics); PubMed 28898540 (cited by Ambry Genetics).

NM_021625.5(TRPV4):c.395C>T (p.Pro132Leu)

Gene: TRPV4 (transient receptor potential cation channel subfamily V member 4; minus strand). Cytogenetic location: 12q24.11.
Variant type: single nucleotide variant.
Coding change: c.395C>T on transcript NM_021625.5 (MANE Select); coding-DNA position 395, C replaced by T.
Protein change: p.Pro132Leu; replaces proline 132 with leucine.
Molecular consequence: missense variant.
Genome position (GRCh38, 1-based): chr12:109,808,460, G>A on the plus strand (C>T on the coding strand, the complement: TRPV4 is on the minus strand). VCF-style: chr12-109808460-G-A. GRCh37 (hg19) VCF-style: chr12-110246265-G-A.
Other names: c.395C>T, p.Pro132Leu (NM_001177428.2, NM_001177433.2, NM_147204.3); c.293C>T, p.Pro98Leu (NM_001177431.2); short protein forms P132L, P98L.
Identifiers: ClinVar variation 520859 (VCV000520859.10), dbSNP rs779371027, ClinGen allele CA6780550.